The following is an entry in ClinVar:

NM_139057.4(ADAMTS17):c.173G>A (p.Gly58Glu)

Gene: ADAMTS17 (ADAM metallopeptidase with thrombospondin type 1 motif 17; minus strand). Cytogenetic location: 15q26.3.
Variant type: single nucleotide variant.
Coding change: c.173G>A on transcript NM_139057.4 (MANE Select); coding-DNA position 173, G replaced by A.
Protein change: p.Gly58Glu; replaces glycine 58 with glutamic acid.
Molecular consequence: missense variant.
Genome position (GRCh38, 1-based): chr15:100,341,316, C>T on the plus strand (G>A on the coding strand, the complement: ADAMTS17 is on the minus strand). VCF-style: chr15-100341316-C-T. GRCh37 (hg19) VCF-style: chr15-100881521-C-T.
Other names: short protein forms G58E.
Identifiers: ClinVar variation 1463901 (VCV001463901.4), dbSNP rs1346087341, ClinGen allele CA394525551.
Genomic context (GRCh38, chr15:100,341,316, plus strand): 5'-TCTCCGGGCCGGGCGCGCGGGGCGGCTGGGGGCGTGCGGGGGCGTCGCCGCCGTCGGGGC[C>T]CGGGGGCTGCGGGCAGCGGCGGCAGGTGCACGTCGTCGGGGCGCACCCGCCACGGGAGCA-3'
Protein context (NP_620688.2, residues 48-68): VHLPPLPAAP[Gly58Glu]PRRRRRPRTP

ClinVar aggregate classification (germline): Uncertain significance (1 of 4 stars; one submission).

Allele frequency attached by ClinVar (database versions not stated): gnomAD 0.00003; TOPMed 0.00001.
gnomAD v4.1: 4 of 1,044,016 alleles (0.00038%); highest among the groups gnomAD compares: African/African-American, 0.0034%; no homozygotes.

Submission:

Labcorp Genetics (formerly Invitae), Labcorp
Classification: Uncertain significance. Last evaluated: 2021-09-03. Review status: criteria provided, single submitter. Criteria: Invitae Variant Classification Sherloc (09022015). Collection method: clinical testing. Allele origin: germline.
Comment: This sequence change replaces glycine with glutamic acid at codon 58 of the ADAMTS17 protein (p.Gly58Glu). The glycine residue is moderately conserved and there is a moderate physicochemical difference between glycine and glutamic acid. The frequency data for this variant in the population databases is considered unreliable, as metrics indicate insufficient coverage at this position in the ExAC database. In summary, the available evidence is currently insufficient to determine the role of this variant in disease. Therefore, it has been classified as a Variant of Uncertain Significance. Algorithms developed to predict the effect of missense changes on protein structure and function are either unavailable or do not agree on the potential impact of this missense change (SIFT: "Not Available"; PolyPhen-2: "Possibly Damaging"; Align-GVGD: "Not Available"). This variant has not been reported in the literature in individuals affected with ADAMTS17-related conditions.